The following is an entry in ClinVar:

ClinVar aggregate classification (germline): Uncertain significance (1 of 4 stars; one submission).

Conditions:
Arrhythmogenic right ventricular dysplasia 10. Also called: Arrhythmogenic Right Ventricular Dysplasia/Cardiomyopathy10; Arrhythmogenic right ventricular dysplasia/cardiomyopathy, type 10; ARRHYTHMOGENIC RIGHT VENTRICULAR DYSPLASIA, FAMILIAL, 10. Identifiers: MedGen C1857777, MONDO:0012434, OMIM 610193.

gnomAD v4.1: 3 of 1,614,122 alleles (0.00019%); highest among the groups gnomAD compares: African/African-American, 0.0027%; no homozygotes.

Submission:

Labcorp Genetics (formerly Invitae), Labcorp
Classification: Uncertain significance for Arrhythmogenic right ventricular dysplasia 10. Last evaluated: 2024-10-02. Review status: criteria provided, single submitter. Criteria: Invitae Variant Classification Sherloc (09022015). Collection method: clinical testing. Allele origin: germline.
Comment: This sequence change replaces glutamine, which is neutral and polar, with proline, which is neutral and non-polar, at codon 328 of the DSG2 protein (p.Gln328Pro). This variant is present in population databases (no rsID available, gnomAD 0.01%). This variant has not been reported in the literature in individuals affected with DSG2-related conditions. Invitae Evidence Modeling of protein sequence and biophysical properties (such as structural, functional, and spatial information, amino acid conservation, physicochemical variation, residue mobility, and thermodynamic stability) indicates that this missense variant is not expected to disrupt DSG2 protein function with a negative predictive value of 95%. In summary, the available evidence is currently insufficient to determine the role of this variant in disease. Therefore, it has been classified as a Variant of Uncertain Significance.

NM_001943.5(DSG2):c.983A>C (p.Gln328Pro)

Gene: DSG2 (desmoglein 2; plus strand). Cytogenetic location: 18q12.1.
Variant type: single nucleotide variant.
Coding change: c.983A>C on transcript NM_001943.5 (MANE Select); coding-DNA position 983, A replaced by C.
Protein change: p.Gln328Pro; replaces glutamine 328 with proline.
Molecular consequence: missense variant.
Genome position (GRCh38, 1-based): chr18:31,524,857, A>C. VCF-style: chr18-31524857-A-C. GRCh37 (hg19) VCF-style: chr18-29104820-A-C.
Other names: short protein forms Q328P.
Identifiers: ClinVar variation 2896645 (VCV002896645.3), dbSNP rs374980753, ClinGen allele CA402135896.